The following is an entry in ClinVar:

NM_014874.4(MFN2):c.1426C>G (p.Arg476Gly)

Gene: MFN2 (mitofusin 2; plus strand). Cytogenetic location: 1p36.22.
Variant type: single nucleotide variant.
Coding change: c.1426C>G on transcript NM_014874.4 (MANE Select); coding-DNA position 1426, C replaced by G.
Protein change: p.Arg476Gly; replaces arginine 476 with glycine.
Molecular consequence: missense variant.
Genome position (GRCh38, 1-based): chr1:12,004,858, C>G. VCF-style: chr1-12004858-C-G. GRCh37 (hg19) VCF-style: chr1-12064915-C-G.
Other names: c.1426C>G, p.Arg476Gly (NM_001127660.2); short protein forms R476G.
Identifiers: ClinVar variation 523025 (VCV000523025.6), dbSNP rs1266361856, ClinGen allele CA338446686.
Genomic context (GRCh38, chr1:12,004,858, plus strand): 5'-CTCTTAACTTCCCTCTTCTGGTGGCAGGAGCTGCACCGCCACATAGAGGAAGGACTGGGT[C>G]GAAACATGTCTGACCGCTGCTCCACGGCCATCACCAACTCCCTGCAGACCATGCAGCAGG-3'
Protein context (NP_055689.1, residues 466-486): LHRHIEEGLG[Arg476Gly]NMSDRCSTAI

ClinVar aggregate classification (germline): Likely pathogenic. Review status: criteria provided, multiple submitters, no conflicts (2 of 4 stars). 2 submissions from 2 submitters: Likely pathogenic (2). Last evaluated 2017-12-18.

Conditions:
Charcot-Marie-Tooth disease, axonal, autosomal recessive, type 2a2b;. Also called: Charcot-Marie-Tooth disease, axonal, autosomal recessive, type 2A2B; Charcot-Marie-Tooth disease, axonal, type 2A2B. Identifiers: MedGen C4310725, MONDO:0014906, OMIM 617087.
Charcot-Marie-Tooth disease type 2A2. Also called: Charcot-Marie-Tooth Neuropathy Type 2A2; CHARCOT-MARIE-TOOTH DISEASE, AXONAL, AUTOSOMAL DOMINANT, TYPE 2A2A; CHARCOT-MARIE-TOOTH DISEASE, AXONAL, TYPE 2A2; CHARCOT-MARIE-TOOTH DISEASE, NEURONAL, TYPE 2A2; HEREDITARY MOTOR AND SENSORY NEUROPATHY IIA2; HMSN IIA2. Identifiers: Orphanet 99947, MedGen C4721887, MONDO:0012231, OMIM 609260.

Submissions (2):

Genomic Research Center, Shahid Beheshti University of Medical Sciences
Classification: Likely pathogenic for Charcot-Marie-Tooth disease type 2A2. Last evaluated: 2017-12-18. Review status: criteria provided, single submitter. Criteria: ACMG Guidelines, 2015. Collection method: clinical testing. Allele origin: inherited. Affected: yes.

Genetics Research Center, University of Social Welfare and Rehabilitation Sciences
Classification: Likely pathogenic for Charcot-Marie-Tooth disease, axonal, autosomal recessive, type 2a2b;. Review status: criteria provided, single submitter. Criteria: ACMG Guidelines, 2015. Collection method: clinical testing. Allele origin: germline. Inheritance: Autosomal recessive inheritance. Affected: yes. Observed: 1 variant allele, 1 homozygote.
Comment: This variant causes a missense change involving the alteration of a non-conserved nucleotide. The variant was absent in control chromosomes in GnomAD project. Variant co-segregated with the disease status within the family. Overall, the variants meets PM2, PP1, PP2, and PP5 ACMG criteria.

Literature cited by the submitters: PubMed 42236346 (cited by Genetics Research Center, University of Social Welfare and Rehabilitation Sciences).